The following is an entry in ClinVar:

ClinVar aggregate classification (germline): Uncertain significance (1 of 4 stars; one submission).

Conditions:
Tuberous sclerosis 2 (TSC2). Identifiers: Orphanet 805, MedGen C1860707, MONDO:0013199, OMIM 613254.

Submission:

Labcorp Genetics (formerly Invitae), Labcorp
Classification: Uncertain significance for Tuberous sclerosis 2. Last evaluated: 2025-04-27. Review status: criteria provided, single submitter. Criteria: Invitae Variant Classification Sherloc (09022015). Collection method: clinical testing. Allele origin: germline.
Comment: This sequence change replaces valine, which is neutral and non-polar, with phenylalanine, which is neutral and non-polar, at codon 489 of the TSC2 protein (p.Val489Phe). This variant is not present in population databases (gnomAD no frequency). This variant has not been reported in the literature in individuals affected with TSC2-related conditions. Invitae Evidence Modeling of protein sequence and biophysical properties (such as structural, functional, and spatial information, amino acid conservation, physicochemical variation, residue mobility, and thermodynamic stability) indicates that this missense variant is not expected to disrupt TSC2 protein function with a negative predictive value of 95%. Algorithms developed to predict the effect of sequence changes on RNA splicing suggest that this variant may disrupt the consensus splice site. In summary, the available evidence is currently insufficient to determine the role of this variant in disease. Therefore, it has been classified as a Variant of Uncertain Significance.

NM_000548.5(TSC2):c.1465G>T (p.Val489Phe)

Gene: TSC2 (TSC complex subunit 2; plus strand). Cytogenetic location: 16p13.3.
Variant type: single nucleotide variant.
Coding change: c.1465G>T on transcript NM_000548.5 (MANE Select); coding-DNA position 1465, G replaced by T.
Protein change: p.Val489Phe; replaces valine 489 with phenylalanine.
Molecular consequence: missense variant. On other transcripts: 5 prime UTR variant (1), non-coding transcript variant (5).
Genome position (GRCh38, 1-based): chr16:2,064,293, G>T. VCF-style: chr16-2064293-G-T. GRCh37 (hg19) VCF-style: chr16-2114294-G-T.
Other names: c.1465G>T, p.Val489Phe (NM_001077183.3, NM_001114382.3, NM_021055.3 and 6 more transcripts); c.1354G>T, p.Val452Phe (NM_001318827.2, NM_001406678.1, NM_001406670.1); c.1318G>T, p.Val440Phe (NM_001318829.2, NM_001406675.1, NM_001406676.1 and 1 more transcripts); c.865G>T, p.Val289Phe (NM_001318831.2, NM_001406680.1, NM_001406682.1 and 6 more transcripts); c.1453G>T, p.Val485Phe (NM_001406671.1, NM_001406673.1); c.1408G>T, p.Val470Phe (NM_001406677.1); c.1003G>T, p.Val335Phe (NM_001406681.1); c.121G>T, p.Val41Phe (NM_001406692.1, NM_001406693.1, NM_001406694.1 and 6 more transcripts); and 3 more; short protein forms V289F, V335F, V41F, V440F, V452F, V470F, V485F, V489F.
Identifiers: ClinVar variation 4802850 (VCV004802850.1).